The following is an entry in ClinVar:

NM_004453.4(ETFDH):c.412C>T (p.Leu138Phe)

Gene: ETFDH (electron transfer flavoprotein dehydrogenase; plus strand). Cytogenetic location: 4q32.1.
Variant type: single nucleotide variant.
Coding change: c.412C>T on transcript NM_004453.4 (MANE Select); coding-DNA position 412, C replaced by T.
Protein change: p.Leu138Phe; replaces leucine 138 with phenylalanine.
Molecular consequence: missense variant.
Genome position (GRCh38, 1-based): chr4:158,684,598, C>T. VCF-style: chr4-158684598-C-T. GRCh37 (hg19) VCF-style: chr4-159605750-C-T.
Other names: c.412C>T (NM_004453.3); c.271C>T, p.Leu91Phe (NM_001281737.2); c.229C>T, p.Leu77Phe (NM_001281738.1); short protein forms L138F, L77F, L91F.
Identifiers: ClinVar variation 2151992 (VCV002151992.5), dbSNP rs1773952713, ClinGen allele CA358574915.
Genomic context (GRCh38, chr4:158,684,598, plus strand): 5'-TTTACACTTGCAAATATAAACTAAAAACATTTCTTTTTCTTCTTTTATTTCTAGGCTCCA[C>T]TTAACACTCCTGTAACAGAAGACAGATTTGGAATTTTAACAGAGAAATACAGAATTCCTG-3'
Protein context (NP_004444.2, residues 128-148): FPDWKEKGAP[Leu138Phe]NTPVTEDRFG

ClinVar aggregate classification (germline): Conflicting classifications of pathogenicity. Review status: criteria provided, conflicting classifications (1 of 4 stars). 2 submissions from 2 submitters: Likely pathogenic (1); Uncertain significance (1). Last evaluated 2023-05-05.

Conditions:
Multiple acyl-CoA dehydrogenase deficiency (MADD). Also called: ETHYLMALONIC-ADIPICACIDURIA; GA II; Glutaric Acidemia type 2; Glutaric aciduria, type 2; Glutaric acidemia type II; GA 2. Identifiers: Orphanet 26791, MedGen C0268596, MONDO:0009282, OMIM 231680.

Allele frequency attached by ClinVar (database versions not stated): gnomAD exomes below 0.00001.
gnomAD v4.1: 3 of 1,539,240 alleles (0.00019%); highest among the groups gnomAD compares: Non-Finnish European, 0.00027%; no homozygotes.

Submissions (2):

Women's Health and Genetics/Laboratory Corporation of America, LabCorp
Classification: Uncertain significance. Last evaluated: 2023-05-05. Review status: criteria provided, single submitter. Criteria: LabCorp Variant Classification Summary - May 2015. Collection method: clinical testing. Allele origin: germline.
Comment: Variant summary: ETFDH c.412C>T (p.Leu138Phe) results in a non-conservative amino acid change in the encoded protein sequence. Three of five in-silico tools predict a damaging effect of the variant on protein function. The variant was absent in 250696 control chromosomes (gnomAD). The available data on variant occurrences in the general population are insufficient to allow any conclusion about variant significance. c.412C>T has been reported in the literature in an individual affected with carnitine-deficient lipid storage myopathy (Angelini_2017). To our knowledge, no experimental evidence demonstrating an impact on protein function has been reported. The following publication have been ascertained in the context of this evaluation (PMID: 28456887). One clinical diagnostic laboratory has submitted clinical-significance assessments for this variant to ClinVar after 2014 and classified the variant as likely pathogenic. Based on the evidence outlined above, the variant was classified as uncertain significance.

Labcorp Genetics (formerly Invitae), Labcorp
Classification: Likely pathogenic for Multiple acyl-CoA dehydrogenase deficiency. Last evaluated: 2023-01-26. Review status: criteria provided, single submitter. Criteria: Invitae Variant Classification Sherloc (09022015). Collection method: clinical testing. Allele origin: germline.
Comment: This sequence change replaces leucine, which is neutral and non-polar, with phenylalanine, which is neutral and non-polar, at codon 138 of the ETFDH protein (p.Leu138Phe). This variant is not present in population databases (gnomAD no frequency). In summary, the currently available evidence indicates that the variant is pathogenic, but additional data are needed to prove that conclusively. Therefore, this variant has been classified as Likely Pathogenic. This variant disrupts the p.Leu138 amino acid residue in ETFDH. Other variant(s) that disrupt this residue have been determined to be pathogenic (PMID: 12359134, 15669683, 32925727). This suggests that this residue is clinically significant, and that variants that disrupt this residue are likely to be disease-causing. Advanced modeling of protein sequence and biophysical properties (such as structural, functional, and spatial information, amino acid conservation, physicochemical variation, residue mobility, and thermodynamic stability) performed at Invitae indicates that this missense variant is not expected to disrupt ETFDH protein function. This missense change has been observed in individual(s) with clinical features of multiple acyl-CoA dehydrogenase deficiency (PMID: 28456887).

Literature cited by the submitters: PubMed 28456887 (cited by Women's Health and Genetics/Laboratory Corporation of America, LabCorp and Labcorp Genetics (formerly Invitae), Labcorp); PubMed 12359134 (cited by Labcorp Genetics (formerly Invitae), Labcorp); PubMed 15669683 (cited by Labcorp Genetics (formerly Invitae), Labcorp); PubMed 32925727 (cited by Labcorp Genetics (formerly Invitae), Labcorp).